The following is an entry in ClinVar:

NC_000006.12:g.109449782_109449785del

Gene: MICAL1 (microtubule associated monooxygenase, calponin and LIM domain containing 1; minus strand). Cytogenetic location: 6q21.
Variant type: Deletion.
Genome position: GRCh38 VCF-style: chr6-109449779-TCTCA-T. GRCh37 (hg19) VCF-style: chr6-109770982-TCTCA-T.
Identifiers: ClinVar variation 1468407 (VCV001468407.6), dbSNP rs1335604267, ClinGen allele CA569582620.
Genomic context (GRCh38, chr6:109,449,779, plus strand): 5'-ACTGGGCCACATTGCGATGCATGTTTTCTGGGGATGTCTGTGACAGAAGCTGGTACAGGC[TCTCA>T]CTGAGGGGGTGAGGGTAAGGGGCAGGGGCATGAATGGGAGGGCACCTGTCAGCACCCACC-3'

ClinVar aggregate classification (germline): Uncertain significance (1 of 4 stars; one submission).

Submission:

Labcorp Genetics (formerly Invitae), Labcorp
Classification: Uncertain significance. Last evaluated: 2025-03-20. Review status: criteria provided, single submitter. Criteria: Invitae Variant Classification Sherloc (09022015). Collection method: clinical testing. Allele origin: germline.
Comment: This sequence change creates a premature translational stop signal (p.Glu456Alafs*32) in the MICAL1 gene. It is expected to result in an absent or disrupted protein product. However, the current clinical and genetic evidence is not sufficient to establish whether loss-of-function variants in MICAL1 cause disease. This variant is present in population databases (no rsID available, gnomAD 0.006%). This variant has not been reported in the literature in individuals affected with MICAL1-related conditions. ClinVar contains an entry for this variant (Variation ID: 1468407). Algorithms developed to predict the effect of sequence changes on RNA splicing suggest that this variant may disrupt the consensus splice site. In summary, the available evidence is currently insufficient to determine the role of this variant in disease. Therefore, it has been classified as a Variant of Uncertain Significance.